The following is an entry in ClinVar:

ClinVar aggregate classification (germline): Uncertain significance. Review status: criteria provided, multiple submitters, no conflicts (2 of 4 stars). 3 submissions from 3 submitters: Uncertain significance (3). Last evaluated 2025-11-06.

Conditions:
Charcot-Marie-Tooth disease type 2. Also called: Charcot-Marie-Tooth type 2. Identifiers: Orphanet 64746, MedGen C0270914, MONDO:0018993.
MFN2-related disorder. Also called: MFN2-related condition; MFN2-related disorders.

Allele frequency attached by ClinVar (database versions not stated): TOPMed below 0.00001; gnomAD 0.00001.
gnomAD v4.1: 19 of 1,614,014 alleles (0.0012%); highest among the groups gnomAD compares: South Asian, 0.0077%; no homozygotes.

Submissions (3):

PreventionGenetics, part of Exact Sciences
Classification: Uncertain significance for MFN2-related condition. Last evaluated: 2025-11-06. Review status: criteria provided, single submitter. Criteria: ACMG Guidelines, 2015. Collection method: clinical testing. Allele origin: germline.
Comment: The MFN2 c.1319G>A variant is predicted to result in the amino acid substitution p.Arg440His. To our knowledge, this variant has not been reported in the literature. This variant is reported in 0.0058% of alleles in individuals of Latino descent in gnomAD. At this time, the clinical significance of this variant is uncertain due to the absence of conclusive functional and genetic evidence.

Labcorp Genetics (formerly Invitae), Labcorp
Classification: Uncertain significance for Charcot-Marie-Tooth disease type 2. Last evaluated: 2025-02-02. Review status: criteria provided, single submitter. Criteria: Invitae Variant Classification Sherloc (09022015). Collection method: clinical testing. Allele origin: germline.
Comment: This sequence change replaces arginine, which is basic and polar, with histidine, which is basic and polar, at codon 440 of the MFN2 protein (p.Arg440His). This variant is present in population databases (no rsID available, gnomAD 0.006%). This variant has not been reported in the literature in individuals affected with MFN2-related conditions. ClinVar contains an entry for this variant (Variation ID: 1990745). Invitae Evidence Modeling of protein sequence and biophysical properties (such as structural, functional, and spatial information, amino acid conservation, physicochemical variation, residue mobility, and thermodynamic stability) has been performed for this missense variant. However, the output from this modeling did not meet the statistical confidence thresholds required to predict the impact of this variant on MFN2 protein function. In summary, the available evidence is currently insufficient to determine the role of this variant in disease. Therefore, it has been classified as a Variant of Uncertain Significance.

Blueprint Genetics
Classification: Uncertain significance. Last evaluated: 2024-11-26. Review status: criteria provided, single submitter. Criteria: ACMG Guidelines, 2015. Collection method: clinical testing. Allele origin: germline.

NM_014874.4(MFN2):c.1319G>A (p.Arg440His)

Gene: MFN2 (mitofusin 2; plus strand). Cytogenetic location: 1p36.22.
Variant type: single nucleotide variant.
Coding change: c.1319G>A on transcript NM_014874.4 (MANE Select); coding-DNA position 1319, G replaced by A.
Protein change: p.Arg440His; replaces arginine 440 with histidine.
Molecular consequence: missense variant.
Genome position (GRCh38, 1-based): chr1:12,004,540, G>A. VCF-style: chr1-12004540-G-A. GRCh37 (hg19) VCF-style: chr1-12064597-G-A.
Other names: c.1319G>A, p.Arg440His (NM_001127660.2); short protein forms R440H.
Identifiers: ClinVar variation 1990745 (VCV001990745.6), dbSNP rs958009351, ClinGen allele CA18011348.